The following is an entry in ClinVar:

ClinVar aggregate classification (germline): Uncertain significance (1 of 4 stars; one submission).

Allele frequency attached by ClinVar (database versions not stated): gnomAD exomes below 0.00001; TOPMed below 0.00001; gnomAD 0.00001.
gnomAD v4.1: 5 of 1,599,882 alleles (0.00031%); highest among the groups gnomAD compares: Non-Finnish European, 0.00043%; no homozygotes.

Submission:

Labcorp Genetics (formerly Invitae), Labcorp
Classification: Uncertain significance. Last evaluated: 2022-02-21. Review status: criteria provided, single submitter. Criteria: Invitae Variant Classification Sherloc (09022015). Collection method: clinical testing. Allele origin: germline.
Comment: This sequence change replaces aspartic acid, which is acidic and polar, with tyrosine, which is neutral and polar, at codon 513 of the ADGRV1 protein (p.Asp513Tyr). This variant is not present in population databases (gnomAD no frequency). This variant has not been reported in the literature in individuals affected with ADGRV1-related conditions. Algorithms developed to predict the effect of missense changes on protein structure and function are either unavailable or do not agree on the potential impact of this missense change (SIFT: "Deleterious"; PolyPhen-2: "Probably Damaging"; Align-GVGD: "Class C0"). Algorithms developed to predict the effect of sequence changes on RNA splicing suggest that this variant may disrupt the consensus splice site. In summary, the available evidence is currently insufficient to determine the role of this variant in disease. Therefore, it has been classified as a Variant of Uncertain Significance.

NM_032119.4(ADGRV1):c.1537G>T (p.Asp513Tyr)

Gene: ADGRV1 (adhesion G protein-coupled receptor V1; plus strand). Cytogenetic location: 5q14.3.
Variant type: single nucleotide variant.
Coding change: c.1537G>T on transcript NM_032119.4 (MANE Select); coding-DNA position 1537, G replaced by T.
Protein change: p.Asp513Tyr; replaces aspartic acid 513 with tyrosine.
Molecular consequence: missense variant. On other transcripts: non-coding transcript variant (1).
Genome position (GRCh38, 1-based): chr5:90,629,237, G>T. VCF-style: chr5-90629237-G-T. GRCh37 (hg19) VCF-style: chr5-89925054-G-T.
Other names: short protein forms D513Y.
Identifiers: ClinVar variation 1937299 (VCV001937299.2), dbSNP rs780268740, ClinGen allele CA121826706.